The following is an entry in ClinVar:

ClinVar aggregate classification (germline): Likely pathogenic (1 of 4 stars; one submission).

Conditions:
X-linked agammaglobulinemia (XLA). Also called: IMMUNODEFICIENCY 1; Agammaglobulinemia, Bruton tyrosine kinase; Agammaglobulinemia, BTK; BTK-deficiency; Bruton-type agammaglobulinemia; Bruton's agammaglobulinemia. Identifiers: Orphanet 229717, Orphanet 47, MedGen C0221026, MONDO:0010421, OMIM 300755.

Submission:

Johns Hopkins Genomics, Johns Hopkins University
Classification: Likely pathogenic for X-linked agammaglobulinemia. Last evaluated: 2025-05-14. Review status: criteria provided, single submitter. Criteria: ACMG Guidelines, 2015. Collection method: clinical testing. Allele origin: germline.
Comment: This BTK variant is absent from a large population dataset and has not been reported in ClinVar nor the literature, to our knowledge. This frameshift variant is predicted to lead to a premature termination codon within the last 50 base pairs of the penultimate exon of the gene, likely escaping nonsense-mediated decay and resulting in a truncated protein product. This change is predicted to destabilize the C-terminal kinase domain (amino acids 402-655) of the BTK protein where the majority of pathogenic BTK variants have been identified. We consider c.1852dup to be likely pathogenic for X-linked agammaglobulinemia.

Literature cited by the submitters: PubMed 20301626; PubMed 40225173.

NM_000061.3(BTK):c.1852dup (p.Arg618fs)

Gene: BTK (Bruton tyrosine kinase; minus strand). Cytogenetic location: Xq22.1.
Variant type: Duplication.
Coding change: c.1852dup on transcript NM_000061.3 (MANE Select); coding-DNA position 1852, one base duplicated (A; older notation c.1852dupA).
Protein change: p.Arg618fs; shifts the reading frame from arginine 618.
Molecular consequence: frameshift variant.
Genome position (GRCh38, 1-based): chrX:101,353,250, T duplicated on the plus strand (A on the coding strand, the reverse complement: BTK is on the minus strand). VCF-style (leftmost placement, unchanged base first): chrX-101353249-C-CT. GRCh37 (hg19) VCF-style: chrX-100608237-C-CT.
Other names: c.1954dup, p.Arg652fs (NM_001287344.2); c.1324dup, p.Arg442fs (NM_001287345.2); short protein forms R442fs, R618fs, R652fs.
Identifiers: ClinVar variation 4280086 (VCV004280086.1).